The following is an entry in ClinVar:

ClinVar aggregate classification (germline): Likely pathogenic. Review status: criteria provided, multiple submitters, no conflicts (2 of 4 stars). 3 submissions from 3 submitters: Likely pathogenic (2). 1 of the submissions does not count toward it. Last evaluated 2024-05-02.

Conditions:
Galactosylceramide beta-galactosidase deficiency. Also called: GALACTOCEREBROSIDASE DEFICIENCY; GALC DEFICIENCY; GLOBOID CELL LEUKOENCEPHALOPATHY; Leukodystrophy, Globoid Cell; Krabbe Disease. Identifiers: Orphanet 487, MedGen C0023521, MONDO:0009499, OMIM 245200.

Submissions (3):

Fulgent Genetics
Classification: Likely pathogenic for Galactosylceramide beta-galactosidase deficiency. Last evaluated: 2024-05-02. Review status: criteria provided, single submitter. Criteria: ACMG Guidelines, 2015. Collection method: clinical testing. Allele origin: germline.

Labcorp Genetics (formerly Invitae), Labcorp
Classification: Likely pathogenic for Galactosylceramide beta-galactosidase deficiency. Last evaluated: 2024-01-24. Review status: criteria provided, single submitter. Criteria: Invitae Variant Classification Sherloc (09022015). Collection method: clinical testing. Allele origin: germline.
Comment: This sequence change affects a donor splice site in intron 12 of the GALC gene. It is expected to disrupt RNA splicing. Variants that disrupt the donor or acceptor splice site typically lead to a loss of protein function (PMID: 16199547), and loss-of-function variants in GALC are known to be pathogenic (PMID: 7437911, 9272171, 16607461). This variant is not present in population databases (gnomAD no frequency). This variant has not been reported in the literature in individuals affected with GALC-related conditions. ClinVar contains an entry for this variant (Variation ID: 550503). Algorithms developed to predict the effect of sequence changes on RNA splicing suggest that this variant may disrupt the consensus splice site. In summary, the currently available evidence indicates that the variant is pathogenic, but additional data are needed to prove that conclusively. Therefore, this variant has been classified as Likely Pathogenic.

Counsyl
Classification: Likely pathogenic for Galactosylceramide beta-galactosidase deficiency. Last evaluated: 2017-01-26. Review status: no assertion criteria provided. Collection method: clinical testing. Allele origin: unknown. Not counted in ClinVar's aggregate classification.

Literature cited by the submitters: PubMed 16199547 (cited by Labcorp Genetics (formerly Invitae), Labcorp); PubMed 7437911 (cited by Labcorp Genetics (formerly Invitae), Labcorp); PubMed 9272171 (cited by Labcorp Genetics (formerly Invitae), Labcorp); PubMed 16607461 (cited by Labcorp Genetics (formerly Invitae), Labcorp).

NM_000153.4(GALC):c.1338+1G>C

Gene: GALC (galactosylceramidase; minus strand). Cytogenetic location: 14q31.3.
Variant type: single nucleotide variant.
Coding change: c.1338+1G>C on transcript NM_000153.4 (MANE Select); the canonical splice donor site of the intron after coding-DNA position 1338, G replaced by C.
Molecular consequence: splice donor variant.
Genome position (GRCh38, 1-based): chr14:87,949,844, C>G on the plus strand (G>C on the coding strand, the complement: GALC is on the minus strand). VCF-style: chr14-87949844-C-G. GRCh37 (hg19) VCF-style: chr14-88416188-C-G.
Other names: c.1260+1G>C (NM_001201402.2); c.1269+1G>C (NM_001201401.2).
Identifiers: ClinVar variation 550503 (VCV000550503.6), dbSNP rs1555379669, ClinGen allele CA390746696.